The following is an entry in ClinVar:

ClinVar aggregate classification (germline): not provided (0 of 4 stars; one submission).

Submission:

Medical Genetics Unit, Ain Shams University Pediatrics Hospital
No classification provided. Review status: no classification provided. Collection method: not provided. Allele origin: unknown.
Comment: Methylmalonic aciduria

NM_000255.4(MMUT):c.7del (p.Arg3fs)

Gene: MMUT (methylmalonyl-CoA mutase; minus strand). Cytogenetic location: 6p12.3.
Variant type: Deletion.
Coding change: c.7del on transcript NM_000255.4 (MANE Select); coding-DNA position 7, one base deleted (A; older notation c.7delA).
Protein change: p.Arg3fs; shifts the reading frame from arginine 3.
Molecular consequence: frameshift variant.
Genome position (GRCh38, 1-based): chr6:49,459,460, T deleted on the plus strand (A on the coding strand, the reverse complement: MMUT is on the minus strand); the first of 2 consecutive T bases (chr6:49,459,460-49,459,461); deleting either gives the same sequence. VCF-style (leftmost placement, unchanged base first): chr6-49459459-CT-C. GRCh37 (hg19) VCF-style: chr6-49427172-CT-C.
Other names: KC594094.1; short protein forms R3fs.
Identifiers: ClinVar variation 100704 (VCV000100704.2), dbSNP rs483352781, ClinGen allele CA235517.
Genomic context (GRCh38, chr6:49,459,459, plus strand): 5'-GATGATTCTTTTACCTGCCTCAGGTAATGAGGTGAAAGTAAAAAAAGCTGATTCTTAGCT[CT>C]TAACATGGTGGAGCATGGAAACACCCAATAGAAATAAGAACTGACCTAGAAAAAGAAACA-3'